The following is an entry in ClinVar:

ClinVar aggregate classification (germline): Uncertain significance. Review status: criteria provided, multiple submitters, no conflicts (2 of 4 stars). 2 submissions from 2 submitters: Uncertain significance (2). Last evaluated 2023-02-21.

Conditions:
Exostoses, multiple, type 2 (EXT2). Also called: Hereditary Multiple Osteochondromatosis, Type II; EXOSTOSES, MULTIPLE, TYPE II. Identifiers: Orphanet 321, MedGen C1851413, MONDO:0007586, OMIM 133701.

Allele frequency attached by ClinVar (database versions not stated): gnomAD exomes below 0.00001; TOPMed below 0.00001; ExAC 0.00001; gnomAD 0.00001.
gnomAD v4.1: 4 of 1,614,016 alleles (0.00025%); highest among the groups gnomAD compares: Non-Finnish European, 0.00034%; no homozygotes.

Submissions (2):

Revvity Omics, Revvity
Classification: Uncertain significance. Last evaluated: 2023-02-21. Review status: criteria provided, single submitter. Criteria: ACMG Guidelines, 2015. Collection method: clinical testing. Allele origin: germline.

Labcorp Genetics (formerly Invitae), Labcorp
Classification: Uncertain significance for Exostoses, multiple, type 2. Last evaluated: 2022-01-31. Review status: criteria provided, single submitter. Criteria: Invitae Variant Classification Sherloc (09022015). Collection method: clinical testing. Allele origin: germline.
Comment: Algorithms developed to predict the effect of missense changes on protein structure and function (SIFT, PolyPhen-2, Align-GVGD) all suggest that this variant is likely to be tolerated. This variant has not been reported in the literature in individuals affected with EXT2-related conditions. This variant is present in population databases (rs764750397, gnomAD 0.002%). This sequence change replaces aspartic acid, which is acidic and polar, with valine, which is neutral and non-polar, at codon 141 of the EXT2 protein (p.Asp141Val). In summary, the available evidence is currently insufficient to determine the role of this variant in disease. Therefore, it has been classified as a Variant of Uncertain Significance.

NM_207122.2(EXT2):c.422A>T (p.Asp141Val)

Gene: EXT2 (exostosin glycosyltransferase 2; plus strand). Cytogenetic location: 11p11.2.
Variant type: single nucleotide variant.
Coding change: c.422A>T on transcript NM_207122.2 (MANE Select); coding-DNA position 422, A replaced by T.
Protein change: p.Asp141Val; replaces aspartic acid 141 with valine.
Molecular consequence: missense variant.
Genome position (GRCh38, 1-based): chr11:44,108,134, A>T. VCF-style: chr11-44108134-A-T. GRCh37 (hg19) VCF-style: chr11-44129684-A-T.
Other names: c.521A>T, p.Asp174Val (NM_000401.3); c.422A>T, p.Asp141Val (NM_001178083.3, NM_001389628.1, NM_001389630.1); short protein forms D141V, D174V.
Identifiers: ClinVar variation 2169271 (VCV002169271.6), dbSNP rs764750397, ClinGen allele CA5954881.
Genomic context (GRCh38, chr11:44,108,134, plus strand): 5'-CTGTCAGCAACACCATCTCCCGGGAGTATAATGAACTGCTCATGGCCATCTCAGACAGTG[A>T]CTACTACACTGATGACATCAACCGGGCCTGTCTGTTTGTTCCCTCCATCGATGTGCTTAA-3'
Protein context (NP_997005.1, residues 131-151): NELLMAISDS[Asp141Val]YYTDDINRAC